The following is an entry in ClinVar:

NM_018706.7(DHTKD1):c.1688T>C (p.Met563Thr)

Gene: DHTKD1 (dehydrogenase E1 and transketolase domain containing 1; plus strand). Cytogenetic location: 10p14.
Variant type: single nucleotide variant.
Coding change: c.1688T>C on transcript NM_018706.7 (MANE Select); coding-DNA position 1688, T replaced by C.
Protein change: p.Met563Thr; replaces methionine 563 with threonine.
Molecular consequence: missense variant.
Genome position (GRCh38, 1-based): chr10:12,100,194, T>C. VCF-style: chr10-12100194-T-C. GRCh37 (hg19) VCF-style: chr10-12142193-T-C.
Other names: c.1688T>C (NM_018706.5); short protein forms M563T.
Identifiers: ClinVar variation 3702631 (VCV003702631.3).

ClinVar aggregate classification (germline): Uncertain significance. Review status: criteria provided, multiple submitters, no conflicts (2 of 4 stars). 2 submissions from 2 submitters: Uncertain significance (2). Last evaluated 2025-05-16.

Conditions:
2-aminoadipic 2-oxoadipic aciduria (AAKAD). Also called: Aminoadipic aciduria; ALPHA-AMINOADIPIC AND ALPHA-KETOADIPIC ACIDURIA. Identifiers: Orphanet 79154, MedGen C1859817, MONDO:0008774, OMIM 204750.
Inborn genetic diseases. Identifiers: MedGen C0950123, MeSH D030342.

gnomAD v4.1: 4 of 1,595,508 alleles (0.00025%); highest among the groups gnomAD compares: Admixed American, 0.007%; no homozygotes.

Submissions (2):

Ambry Genetics
Classification: Uncertain significance for Inborn genetic diseases. Last evaluated: 2025-05-16. Review status: criteria provided, single submitter. Criteria: Ambry Variant Classification Scheme 2023. Collection method: clinical testing. Allele origin: germline.

Labcorp Genetics (formerly Invitae), Labcorp
Classification: Uncertain significance for 2-aminoadipic 2-oxoadipic aciduria. Last evaluated: 2024-04-09. Review status: criteria provided, single submitter. Criteria: Invitae Variant Classification Sherloc (09022015). Collection method: clinical testing. Allele origin: germline.
Comment: This sequence change replaces methionine, which is neutral and non-polar, with threonine, which is neutral and polar, at codon 563 of the DHTKD1 protein (p.Met563Thr). This variant is present in population databases (rs763073703, gnomAD 0.01%). This variant has not been reported in the literature in individuals affected with DHTKD1-related conditions. Advanced modeling of protein sequence and biophysical properties (such as structural, functional, and spatial information, amino acid conservation, physicochemical variation, residue mobility, and thermodynamic stability) performed at Invitae indicates that this missense variant is not expected to disrupt DHTKD1 protein function with a negative predictive value of 80%. In summary, the available evidence is currently insufficient to determine the role of this variant in disease. Therefore, it has been classified as a Variant of Uncertain Significance.